The following is an entry in ClinVar:

NM_001267550.2(TTN):c.105515C>T (p.Ser35172Phe)

Genes: TTN (titin; minus strand), TTN-AS1 (TTN antisense RNA 1; plus strand), LOC129935184 (ATAC-STARR-seq lymphoblastoid active region 16809; plus strand). Cytogenetic location: 2q31.2.
Variant type: single nucleotide variant.
Coding change: c.105515C>T on transcript NM_001267550.2 (MANE Select); coding-DNA position 105515, C replaced by T.
Protein change: p.Ser35172Phe; replaces serine 35172 with phenylalanine.
Molecular consequence: missense variant.
Genome position (GRCh38, 1-based): chr2:178,531,100, G>A on the plus strand (C>T on the coding strand, the complement: TTN is on the minus strand). VCF-style: chr2-178531100-G-A. GRCh37 (hg19) VCF-style: chr2-179395827-G-A.
Other names: c.100592C>T, p.Ser33531Phe (NM_001256850.1); c.78320C>T, p.Ser26107Phe (NM_003319.4); c.97811C>T, p.Ser32604Phe (NM_133378.4); c.78695C>T, p.Ser26232Phe (NM_133432.3); c.78896C>T, p.Ser26299Phe (NM_133437.4); short protein forms S26107F, S26299F, S33531F, S35172F, S26232F, S32604F.
Identifiers: ClinVar variation 2198351 (VCV002198351.1), dbSNP rs749354699, ClinGen allele CA1985241.

ClinVar aggregate classification (germline): Uncertain significance (1 of 4 stars; one submission).

Conditions:
Dilated cardiomyopathy 1G (CMD1G). Identifiers: Orphanet 154, MedGen C1858763, MONDO:0011400, OMIM 604145.
Autosomal recessive limb-girdle muscular dystrophy type 2J (LGMDR10). Also called: Limb-girdle muscular dystrophy, type 2J; MUSCULAR DYSTROPHY, LIMB-GIRDLE, AUTOSOMAL RECESSIVE 10. Identifiers: Orphanet 140922, MedGen C1837342, MONDO:0012127, OMIM 608807.

Allele frequency attached by ClinVar (database versions not stated): ExAC 0.00001; gnomAD 0.00002; TOPMed 0.00002.
gnomAD v4.1: 7 of 1,612,824 alleles (0.00043%); highest among the groups gnomAD compares: Admixed American, 0.012%; no homozygotes.

Submission:

Labcorp Genetics (formerly Invitae), Labcorp
Classification: Uncertain significance for Dilated cardiomyopathy 1G; Autosomal recessive limb-girdle muscular dystrophy type 2J. Last evaluated: 2022-08-17. Review status: criteria provided, single submitter. Criteria: Invitae Variant Classification Sherloc (09022015). Collection method: clinical testing. Allele origin: germline.
Comment: This sequence change replaces serine, which is neutral and polar, with phenylalanine, which is neutral and non-polar, at codon 35172 of the TTN protein (p.Ser35172Phe). This variant is present in population databases (rs749354699, gnomAD 0.01%). This variant has not been reported in the literature in individuals affected with TTN-related conditions. Experimental studies and prediction algorithms are not available or were not evaluated, and the functional significance of this variant is currently unknown. This variant is located in the M band of TTN (PMID: 25589632). Variants in this region may be relevant for neuromuscular disorders, but have not been definitively shown to cause cardiomyopathy (PMID: 23975875). In summary, the available evidence is currently insufficient to determine the role of this variant in disease. Therefore, it has been classified as a Variant of Uncertain Significance.

Literature cited by the submitters: PubMed 25589632; PubMed 23975875.